The following is an entry in ClinVar:

ClinVar aggregate classification (germline): Uncertain significance (1 of 4 stars; one submission).

Conditions:
Asphyxiating thoracic dystrophy 5 (SRTD5). Also called: SHORT-RIB THORACIC DYSPLASIA 5 WITH OR WITHOUT POLYDACTYLY; SHORT-RIB THORACIC DYSPLASIA 5 WITHOUT POLYDACTYLY. Identifiers: Orphanet 474, MedGen C3280598, MONDO:0013717, OMIM 614376.
Senior-Loken syndrome 8 (SLSN8). Identifiers: Orphanet 3156, MedGen C4225376, MONDO:0014579, OMIM 616307.

Submission:

Labcorp Genetics (formerly Invitae), Labcorp
Classification: Uncertain significance for Senior-Loken syndrome 8; Asphyxiating thoracic dystrophy 5. Last evaluated: 2025-04-16. Review status: criteria provided, single submitter. Criteria: Invitae Variant Classification Sherloc (09022015). Collection method: clinical testing. Allele origin: germline.
Comment: This sequence change replaces lysine, which is basic and polar, with glutamic acid, which is acidic and polar, at codon 320 of the WDR19 protein (p.Lys320Glu). This variant is not present in population databases (gnomAD no frequency). This variant has not been reported in the literature in individuals affected with WDR19-related conditions. Invitae Evidence Modeling of protein sequence and biophysical properties (such as structural, functional, and spatial information, amino acid conservation, physicochemical variation, residue mobility, and thermodynamic stability) indicates that this missense variant is not expected to disrupt WDR19 protein function with a negative predictive value of 80%. In summary, the available evidence is currently insufficient to determine the role of this variant in disease. Therefore, it has been classified as a Variant of Uncertain Significance.

NM_025132.4(WDR19):c.958A>G (p.Lys320Glu)

Gene: WDR19 (WD repeat domain 19; plus strand). Cytogenetic location: 4p14.
Variant type: single nucleotide variant.
Coding change: c.958A>G on transcript NM_025132.4 (MANE Select); coding-DNA position 958, A replaced by G.
Protein change: p.Lys320Glu; replaces lysine 320 with glutamic acid.
Molecular consequence: missense variant.
Genome position (GRCh38, 1-based): chr4:39,214,668, A>G. VCF-style: chr4-39214668-A-G. GRCh37 (hg19) VCF-style: chr4-39216288-A-G.
Other names: c.478A>G, p.Lys160Glu (NM_001317924.2); short protein forms K320E, K160E.
Identifiers: ClinVar variation 4788177 (VCV004788177.1).